The following is an entry in ClinVar:

ClinVar aggregate classification (germline): Uncertain significance (1 of 4 stars; one submission).

Conditions:
Emery-Dreifuss muscular dystrophy 5, autosomal dominant (EDMD5). Also called: EMERY-DREIFUSS MUSCULAR DYSTROPHY 5. Identifiers: Orphanet 261, MedGen C2751805, MONDO:0013072, OMIM 612999.

Allele frequency attached by ClinVar (database versions not stated): TOPMed below 0.00001; gnomAD 0.00001; ExAC 0.00002.
gnomAD v4.1: 9 of 1,613,748 alleles (0.00056%); highest among the groups gnomAD compares: Admixed American, 0.0017%; no homozygotes.

Submissions (2):

Labcorp Genetics (formerly Invitae), Labcorp
Classification: Uncertain significance for Emery-Dreifuss muscular dystrophy 5, autosomal dominant. Last evaluated: 2023-02-17. Review status: criteria provided, single submitter. Criteria: Invitae Variant Classification Sherloc (09022015). Collection method: clinical testing. Allele origin: germline.
Comment: In summary, the available evidence is currently insufficient to determine the role of this variant in disease. Therefore, it has been classified as a Variant of Uncertain Significance. Variants that disrupt the consensus splice site are a relatively common cause of aberrant splicing (PMID: 17576681, 9536098). Algorithms developed to predict the effect of sequence changes on RNA splicing suggest that this variant may disrupt the consensus splice site. ClinVar contains an entry for this variant (Variation ID: 470921). This variant has not been reported in the literature in individuals affected with SYNE2-related conditions. This variant is present in population databases (rs771680833, gnomAD 0.005%). This sequence change falls in intron 63 of the SYNE2 gene. It does not directly change the encoded amino acid sequence of the SYNE2 protein. It affects a nucleotide within the consensus splice site.

Dr. Peter K. Rogan Lab, Western University
No classification provided (evidence only). Condition: Uterine corpus endometrial carcinoma. Review status: no classification provided. Collection method: in vitro. Allele origin: not applicable. Functional consequence: retained intron. Not counted in ClinVar's aggregate classification.

Literature cited by the submitters: PubMed 17576681 (cited by Labcorp Genetics (formerly Invitae), Labcorp); PubMed 9536098 (cited by Labcorp Genetics (formerly Invitae), Labcorp).

NM_182914.3(SYNE2):c.12381+5G>A

Gene: SYNE2 (spectrin repeat containing nuclear envelope protein 2; plus strand). Cytogenetic location: 14q23.2.
Variant type: single nucleotide variant.
Coding change: c.12381+5G>A on transcript NM_182914.3 (MANE Select); 5 bases into the intron after coding-DNA position 12381, G replaced by A.
Molecular consequence: intron variant.
Genome position (GRCh38, 1-based): chr14:64,098,826, G>A. VCF-style: chr14-64098826-G-A. GRCh37 (hg19) VCF-style: chr14-64565544-G-A.
Other names: c.12381+5G>A (NM_015180.6).
Identifiers: ClinVar variation 470921 (VCV000470921.6), dbSNP rs771680833, ClinGen allele CA7222105.